The following is an entry in ClinVar:

ClinVar aggregate classification (germline): Pathogenic (1 of 4 stars; one submission).

Conditions:
Neurofibromatosis, type 1 (NF1). Also called: Neurofibromatosis, type I; NEUROFIBROMATOSIS, TYPE I, SOMATIC; Peripheral type neurofibromatosis; VON RECKLINGHAUSEN DISEASE. Identifiers: Orphanet 636, MedGen C0027831, MONDO:0018975, OMIM 162200. Disease mechanism: loss of function.

Submission:

Labcorp Genetics (formerly Invitae), Labcorp
Classification: Pathogenic for Neurofibromatosis, type 1. Last evaluated: 2023-05-10. Review status: criteria provided, single submitter. Criteria: Invitae Variant Classification Sherloc (09022015). Collection method: clinical testing. Allele origin: germline.
Comment: For these reasons, this variant has been classified as Pathogenic. This variant has not been reported in the literature in individuals affected with NF1-related conditions. This variant is not present in population databases (gnomAD no frequency). This sequence change creates a premature translational stop signal (p.Leu732*) in the NF1 gene. It is expected to result in an absent or disrupted protein product. Loss-of-function variants in NF1 are known to be pathogenic (PMID: 10712197, 23913538).

Literature cited by the submitters: PubMed 10712197; PubMed 23913538.

NM_001042492.3(NF1):c.2195T>A (p.Leu732Ter)

Gene: NF1 (neurofibromin 1; plus strand). Cytogenetic location: 17q11.2.
Variant type: single nucleotide variant.
Coding change: c.2195T>A on transcript NM_001042492.3 (MANE Select); coding-DNA position 2195, T replaced by A.
Protein change: p.Leu732Ter; replaces leucine 732 with a stop codon.
Molecular consequence: nonsense.
Genome position (GRCh38, 1-based): chr17:31,226,628, T>A. VCF-style: chr17-31226628-T-A. GRCh37 (hg19) VCF-style: chr17-29553646-T-A.
Other names: c.2195T>A, p.Leu732Ter (NM_000267.4); short protein forms L732*.
Identifiers: ClinVar variation 2863027 (VCV002863027.3), dbSNP rs2508158016, ClinGen allele CA398982464.
Genomic context (GRCh38, chr17:31,226,628, plus strand): 5'-ACCTCTGTGAGGAAGCAGATATCCGGTGTGGGGTGGATGAAGTGTCAGTGCATAACCTCT[T>A]GCCCAACTATAACACATTCATGGAGTTTGCCTCTGTCAGCAATATGATGTCAACAGGTAA-3'